The following is an entry in ClinVar:

ClinVar aggregate classification (germline): Uncertain significance (1 of 4 stars; one submission).

Conditions:
Muscular dystrophy-dystroglycanopathy (congenital with brain and eye anomalies), type A, 7. Also called: WALKER-WARBURG SYNDROME OR MUSCLE-EYE-BRAIN DISEASE, ISPD-RELATED; Congenital muscular dystrophy-dystroglycanopathy with brain and eye anomalies, type A7. Identifiers: Orphanet 899, MedGen C3553330, MONDO:0013835, OMIM 614643.
Autosomal recessive limb-girdle muscular dystrophy type 2U. Also called: Muscular dystrophy-dystroglycanopathy (limb-girdle), type c, 7; MUSCULAR DYSTROPHY, LIMB-GIRDLE, TYPE 2U. Identifiers: Orphanet 352479, MedGen C5190987, MONDO:0014474, OMIM 616052.

Allele frequency attached by ClinVar (database versions not stated): ExAC 0.00001; gnomAD 0.00001; gnomAD exomes 0.00001; TOPMed 0.00001; ESP Exome Variant Server 0.00008.
gnomAD v4.1: 22 of 1,613,822 alleles (0.0014%); highest among the groups gnomAD compares: Non-Finnish European, 0.0019%; no homozygotes.

Submission:

Labcorp Genetics (formerly Invitae), Labcorp
Classification: Uncertain significance for Muscular dystrophy-dystroglycanopathy (congenital with brain and eye anomalies), type A, 7; Autosomal recessive limb-girdle muscular dystrophy type 2U. Last evaluated: 2022-08-16. Review status: criteria provided, single submitter. Criteria: Invitae Variant Classification Sherloc (09022015). Collection method: clinical testing. Allele origin: germline.
Comment: In summary, the available evidence is currently insufficient to determine the role of this variant in disease. Therefore, it has been classified as a Variant of Uncertain Significance. Algorithms developed to predict the effect of missense changes on protein structure and function output the following: SIFT: "Tolerated"; PolyPhen-2: "Benign"; Align-GVGD: "Class C0". The arginine amino acid residue is found in multiple mammalian species, which suggests that this missense change does not adversely affect protein function. ClinVar contains an entry for this variant (Variation ID: 1680797). This variant has not been reported in the literature in individuals affected with ISPD-related conditions. This variant is present in population databases (rs373082181, gnomAD 0.007%). This sequence change replaces lysine, which is basic and polar, with arginine, which is basic and polar, at codon 111 of the ISPD protein (p.Lys111Arg).

NM_001101426.4(CRPPA):c.332A>G (p.Lys111Arg)

Gene: CRPPA (CDP-L-ribitol pyrophosphorylase A; minus strand). Cytogenetic location: 7p21.2.
Variant type: single nucleotide variant.
Coding change: c.332A>G on transcript NM_001101426.4 (MANE Select); coding-DNA position 332, A replaced by G.
Protein change: p.Lys111Arg; replaces lysine 111 with arginine.
Molecular consequence: missense variant. On other transcripts: non-coding transcript variant (1).
Genome position (GRCh38, 1-based): chr7:16,406,263, T>C on the plus strand (A>G on the coding strand, the complement: CRPPA is on the minus strand). VCF-style: chr7-16406263-T-C. GRCh37 (hg19) VCF-style: chr7-16445888-T-C.
Other names: c.332A>G, p.Lys111Arg (NM_001101417.4, NM_001368197.1); short protein forms K111R.
Identifiers: ClinVar variation 1680797 (VCV001680797.8), dbSNP rs373082181, ClinGen allele CA4169632.